The following is an entry in ClinVar:

NM_001205293.3(CACNA1E):c.674G>A (p.Gly225Asp)

Gene: CACNA1E (calcium voltage-gated channel subunit alpha1 E; plus strand). Cytogenetic location: 1q25.3.
Variant type: single nucleotide variant.
Coding change: c.674G>A on transcript NM_001205293.3 (MANE Select); coding-DNA position 674, G replaced by A.
Protein change: p.Gly225Asp; replaces glycine 225 with aspartic acid.
Molecular consequence: missense variant.
Genome position (GRCh38, 1-based): chr1:181,579,129, G>A. VCF-style: chr1-181579129-G-A. GRCh37 (hg19) VCF-style: chr1-181548265-G-A.
Other names: c.674G>A, p.Gly225Asp (NM_000721.4, NM_001205294.2); short protein forms G225D.
Identifiers: ClinVar variation 2573768 (VCV002573768.4), dbSNP rs2527316502, ClinGen allele CA343847039.

ClinVar aggregate classification (germline): Uncertain significance. Review status: criteria provided, multiple submitters, no conflicts (2 of 4 stars). 2 submissions from 2 submitters: Uncertain significance (2). Last evaluated 2025-06-03.

Submissions (2):

Women's Health and Genetics/Laboratory Corporation of America, LabCorp
Classification: Uncertain significance. Last evaluated: 2025-06-03. Review status: criteria provided, single submitter. Criteria: LabCorp Variant Classification Summary - May 2015. Collection method: clinical testing. Allele origin: germline.
Comment: Variant summary: CACNA1E c.674G>A (p.Gly225Asp) results in a non-conservative amino acid change located in the ion transport domain (IPR005821) of the encoded protein sequence. Algorithms developed to predict the effect of missense changes on protein structure and function all suggest that this variant is likely to be disruptive. The variant was absent in 249170 control chromosomes. The available data on variant occurrences in the general population are insufficient to allow any conclusion about variant significance. To our knowledge, no occurrence of c.674G>A in individuals affected with Epileptic Encephalopathy, Early Infantile, 69 and no experimental evidence demonstrating its impact on protein function have been reported. ClinVar contains an entry for this variant (Variation ID: 2573768). Based on the evidence outlined above, the variant was classified as uncertain significance.

GeneDx
Classification: Uncertain significance. Last evaluated: 2023-01-18. Review status: criteria provided, single submitter. Criteria: GeneDx Variant Classification Process June 2021. Collection method: clinical testing. Allele origin: germline. Affected: yes.
Comment: Not observed at significant frequency in large population cohorts (gnomAD); In silico analysis supports that this missense variant has a deleterious effect on protein structure/function; Has not been previously published as pathogenic or benign to our knowledge